The following is an entry in ClinVar:

ClinVar aggregate classification (germline): Uncertain significance. Review status: criteria provided, multiple submitters, no conflicts (2 of 4 stars). 2 submissions from 2 submitters: Uncertain significance (2). Last evaluated 2025-09-19.

Conditions:
Inborn genetic diseases. Identifiers: MedGen C0950123, MeSH D030342.
Mosaic variegated aneuploidy syndrome 2 (MVA2). Identifiers: Orphanet 1052, MedGen C3279843, MONDO:0013582, OMIM 614114.

Allele frequency attached by ClinVar (database versions not stated): gnomAD exomes below 0.00001; gnomAD 0.00001; TOPMed 0.00001.
gnomAD v4.1: 2 of 1,612,682 alleles (0.00012%); highest among the groups gnomAD compares: Admixed American, 0.0017%; no homozygotes.

Submissions (2):

Ambry Genetics
Classification: Uncertain significance for Inborn genetic diseases. Last evaluated: 2025-09-19. Review status: criteria provided, single submitter. Criteria: Ambry Variant Classification Scheme 2023. Collection method: clinical testing. Allele origin: germline.
Comment: The p.N141H variant (also known as c.421A>C), located in coding exon 4 of the CEP57 gene, results from an A to C substitution at nucleotide position 421. The asparagine at codon 141 is replaced by histidine, an amino acid with similar properties. This amino acid position is conserved. In addition, this alteration is predicted to be tolerated by in silico analysis. Based on the available evidence, the clinical significance of this variant remains unclear.

Labcorp Genetics (formerly Invitae), Labcorp
Classification: Uncertain significance for Mosaic variegated aneuploidy syndrome 2. Last evaluated: 2023-10-16. Review status: criteria provided, single submitter. Criteria: Invitae Variant Classification Sherloc (09022015). Collection method: clinical testing. Allele origin: germline.
Comment: This sequence change replaces asparagine, which is neutral and polar, with histidine, which is basic and polar, at codon 141 of the CEP57 protein (p.Asn141His). This variant is not present in population databases (gnomAD no frequency). This variant has not been reported in the literature in individuals affected with CEP57-related conditions. Advanced modeling of protein sequence and biophysical properties (such as structural, functional, and spatial information, amino acid conservation, physicochemical variation, residue mobility, and thermodynamic stability) performed at Invitae indicates that this missense variant is not expected to disrupt CEP57 protein function. In summary, the available evidence is currently insufficient to determine the role of this variant in disease. Therefore, it has been classified as a Variant of Uncertain Significance.

NM_014679.5(CEP57):c.421A>C (p.Asn141His)

Gene: CEP57 (centrosomal protein 57; plus strand). Cytogenetic location: 11q21.
Variant type: single nucleotide variant.
Coding change: c.421A>C on transcript NM_014679.5 (MANE Select); coding-DNA position 421, A replaced by C.
Protein change: p.Asn141His; replaces asparagine 141 with histidine.
Molecular consequence: missense variant.
Genome position (GRCh38, 1-based): chr11:95,813,506, A>C. VCF-style: chr11-95813506-A-C. GRCh37 (hg19) VCF-style: chr11-95546670-A-C.
Other names: c.421A>C (NM_014679.4); c.394A>C, p.Asn132His (NM_001243776.2); c.421A>C, p.Asn141His (NM_001243777.2); c.340A>C, p.Asn114His (NM_001363604.2); short protein forms N132H, N114H, N141H.
Identifiers: ClinVar variation 2718707 (VCV002718707.4), dbSNP rs1767858227, ClinGen allele CA382421836.
Genomic context (GRCh38, chr11:95,813,506, plus strand): 5'-TTTTCTTATGTATTCTTTTTAGAACTGACATCTCAGTTGTTAGCTGCAGAAAATAAATGC[A>C]ATCTATTAGAAAAACAATTGGAATACATGCGAAATATGATAAAGCATGCCGAAATGGAGA-3'
Protein context (NP_055494.2, residues 131-151): SQLLAAENKC[Asn141His]LLEKQLEYMR